The following is an entry in ClinVar:

ClinVar aggregate classification (germline): Conflicting classifications of pathogenicity. Review status: criteria provided, conflicting classifications (1 of 4 stars). 2 submissions from 2 submitters: Uncertain significance (1); Likely benign (1). Last evaluated 2025-08-04.

Conditions:
Hereditary cancer-predisposing syndrome. Also called: Hereditary Cancer Syndrome; Hereditary neoplastic syndrome; Neoplastic Syndromes, Hereditary; Tumor predisposition. Identifiers: Orphanet 140162, MedGen C0027672, MeSH D009386, MONDO:0015356.
Carney complex, type 1 (CNC1). Also called: CARNEY MYXOMA-ENDOCRINE COMPLEX; CARNEY COMPLEX, TYPE I. Identifiers: Orphanet 1359, MedGen C2607929, MONDO:0008057, OMIM 160980.

gnomAD v4.1: 3 of 1,612,598 alleles (0.00019%); highest among the groups gnomAD compares: South Asian, 0.0033%; no homozygotes.

Submissions (2):

Labcorp Genetics (formerly Invitae), Labcorp
Classification: Likely benign for Carney complex, type 1. Last evaluated: 2025-08-04. Review status: criteria provided, single submitter. Criteria: Invitae Variant Classification Sherloc (09022015). Collection method: clinical testing. Allele origin: germline.

Sema4
Classification: Uncertain significance for Hereditary cancer-predisposing syndrome. Last evaluated: 2021-07-14. Review status: criteria provided, single submitter. Criteria: Sema4 Curation Guidelines. Collection method: curation. Allele origin: germline.
Comment: The PRKAR1A c.-6-4G>T variant has not been reported in the literature to our knowledge. It was not observed in the large and broad cohorts of the Genome Aggregation Database. The variant has not been reported in ClinVar. In silico tools suggest that the variant does not impact splicing, though these predictions have not been confirmed by functional studies. The evidence is insufficient to meet ACMG/AMP criteria for classifying the variant as benign or pathogenic. Thus, the clinical significance of this variant is currently uncertain.

NM_002734.5(PRKAR1A):c.-6-4G>T

Gene: PRKAR1A (protein kinase cAMP-dependent type I regulatory subunit alpha; plus strand). Cytogenetic location: 17q24.2.
Variant type: single nucleotide variant.
Coding change: c.-6-4G>T on transcript NM_002734.5 (MANE Select); 4 bases into the intron before 6 bases upstream of the start codon, G replaced by T.
Molecular consequence: intron variant.
Genome position (GRCh38, 1-based): chr17:68,515,390, G>T. VCF-style: chr17-68515390-G-T. GRCh37 (hg19) VCF-style: chr17-66511531-G-T.
Other names: c.-6-4G>T (NM_001278433.2, NM_001369389.1, NM_212471.3 and 3 more transcripts).
Identifiers: ClinVar variation 1692715 (VCV001692715.6), dbSNP rs190803359, ClinGen allele CA2573154853.
Genomic context (GRCh38, chr17:68,515,390, plus strand): 5'-TAAATGCCAGATTGACATTTTGCTTTATAGTTTATACAAGCATGTGTGTGTTTTTTTCTC[G>T]CAGAGAACCATGGAGTCTGGCAGTACCGCCGCCAGTGAGGAGGCACGCAGCCTTCGAGAA-3'